The following is an entry in ClinVar:

NM_002334.4(LRP4):c.1434C>T (p.Arg478=)

Gene: LRP4 (LDL receptor related protein 4; minus strand). Cytogenetic location: 11p11.2.
Variant type: single nucleotide variant.
Coding change: c.1434C>T on transcript NM_002334.4 (MANE Select); coding-DNA position 1434, C replaced by T.
Protein change: p.Arg478=; no amino-acid change (arginine 478 retained).
Molecular consequence: synonymous variant.
Genome position (GRCh38, 1-based): chr11:46,894,695, G>A on the plus strand (C>T on the coding strand, the complement: LRP4 is on the minus strand). VCF-style: chr11-46894695-G-A. GRCh37 (hg19) VCF-style: chr11-46916246-G-A.
Identifiers: ClinVar variation 3067551 (VCV003067551.21), dbSNP rs957933915, ClinGen allele CA221647401.

ClinVar aggregate classification (germline): Likely benign (1 of 4 stars; one submission).

Allele frequency attached by ClinVar (database versions not stated): gnomAD exomes below 0.00001; gnomAD 0.00001; TOPMed 0.00001.
gnomAD v4.1: 3 of 1,614,110 alleles (0.00019%); highest among the groups gnomAD compares: African/African-American, 0.0013%; no homozygotes.

Submission:

CeGaT Center for Human Genetics Tuebingen
Classification: Likely benign. Last evaluated: 2024-03-01. Review status: criteria provided, single submitter. Criteria: CeGaT Center For Human Genetics Tuebingen Variant Classification Criteria Version 2. Collection method: clinical testing. Allele origin: germline. Affected: yes. Observed: 1 variant allele.
Comment: LRP4: BP4, BP7